The following is an entry in ClinVar:

ClinVar aggregate classification (germline): Uncertain significance (1 of 4 stars; one submission).

Conditions:
Genitopatellar syndrome (GTPTS). Also called: Genitopatellar syndrome (GPS); ABSENT PATELLAE, SCROTAL HYPOPLASIA, RENAL ANOMALIES, FACIAL DYSMORPHISM, AND MENTAL RETARDATION. Identifiers: Orphanet 85201, MedGen C1853566, MONDO:0011640, OMIM 606170.

Allele frequency attached by ClinVar (database versions not stated): gnomAD exomes below 0.00001 and 0.00001; ExAC 0.00001; TOPMed 0.00002; ESP Exome Variant Server 0.00008.
gnomAD v4.1: 4 of 1,612,180 alleles (0.00025%); highest among the groups gnomAD compares: African/African-American, 0.0013%; no homozygotes.

Submission:

Labcorp Genetics (formerly Invitae), Labcorp
Classification: Uncertain significance for Genitopatellar syndrome. Last evaluated: 2020-04-12. Review status: criteria provided, single submitter. Criteria: Invitae Variant Classification Sherloc (09022015). Collection method: clinical testing. Allele origin: germline.
Comment: In summary, the available evidence is currently insufficient to determine the role of this variant in disease. Therefore, it has been classified as a Variant of Uncertain Significance. Algorithms developed to predict the effect of missense changes on protein structure and function are either unavailable or do not agree on the potential impact of this missense change (SIFT: "Deleterious"; PolyPhen-2: "Probably Damaging"; Align-GVGD: "Class C0"). This variant has not been reported in the literature in individuals with KAT6B-related conditions. This variant is present in population databases (rs372648542, ExAC 0.01%). This sequence change replaces proline with serine at codon 1888 of the KAT6B protein (p.Pro1888Ser). The proline residue is weakly conserved and there is a moderate physicochemical difference between proline and serine.

NM_012330.4(KAT6B):c.5662C>T (p.Pro1888Ser)

Gene: KAT6B (lysine acetyltransferase 6B; plus strand). Cytogenetic location: 10q22.2.
Variant type: single nucleotide variant.
Coding change: c.5662C>T on transcript NM_012330.4 (MANE Select); coding-DNA position 5662, C replaced by T.
Protein change: p.Pro1888Ser; replaces proline 1888 with serine.
Molecular consequence: missense variant.
Genome position (GRCh38, 1-based): chr10:75,030,486, C>T. VCF-style: chr10-75030486-C-T. GRCh37 (hg19) VCF-style: chr10-76790244-C-T.
Other names: c.5113C>T, p.Pro1705Ser (NM_001256468.2, NM_001370138.1); c.4786C>T, p.Pro1596Ser (NM_001256469.2, NM_001370139.1, NM_001370140.1 and 2 more transcripts); c.4624C>T, p.Pro1542Ser (NM_001370132.1); c.3973C>T, p.Pro1325Ser (NM_001370133.1); c.3577C>T, p.Pro1193Ser (NM_001370134.1); c.3319C>T, p.Pro1107Ser (NM_001370135.1); c.5662C>T, p.Pro1888Ser (NM_001370136.1, NM_001370137.1); c.4597C>T, p.Pro1533Ser (NM_001370143.1, NM_001370144.1); short protein forms P1107S, P1193S, P1325S, P1533S, P1542S, P1596S, P1705S, P1888S.
Identifiers: ClinVar variation 1023414 (VCV001023414.9), dbSNP rs372648542, ClinGen allele CA5565233.